The following is an entry in ClinVar:

ClinVar aggregate classification (germline): Uncertain significance (1 of 4 stars; one submission).

Conditions:
Cardiovascular phenotype. Identifiers: MedGen CN230736.

Submission:

Ambry Genetics
Classification: Uncertain significance for Cardiovascular phenotype. Last evaluated: 2026-02-22. Review status: criteria provided, single submitter. Criteria: Ambry Variant Classification Scheme 2023. Collection method: clinical testing. Allele origin: germline.
Comment: The p.H108P variant (also known as c.323A>C), located in coding exon 3 of the ENG gene, results from an A to C substitution at nucleotide position 323. The histidine at codon 108 is replaced by proline, an amino acid with similar properties. This amino acid position is conserved. In addition, this alteration is predicted to be tolerated by in silico analysis. Based on the available evidence, the clinical significance of this variant remains unclear.

NM_001114753.3(ENG):c.323A>C (p.His108Pro)

Gene: ENG (endoglin; minus strand). Cytogenetic location: 9q34.11.
Variant type: single nucleotide variant.
Coding change: c.323A>C on transcript NM_001114753.3 (MANE Select); coding-DNA position 323, A replaced by C.
Protein change: p.His108Pro; replaces histidine 108 with proline.
Molecular consequence: missense variant. On other transcripts: 5 prime UTR variant (1).
Genome position (GRCh38, 1-based): chr9:127,829,724, T>G on the plus strand (A>C on the coding strand, the complement: ENG is on the minus strand). VCF-style: chr9-127829724-T-G. GRCh37 (hg19) VCF-style: chr9-130592003-T-G.
Other names: c.323A>C, p.His108Pro (NM_000118.4, NM_001406715.1); c.-224A>C (NM_001278138.2); short protein forms H108P.
Identifiers: ClinVar variation 4824988 (VCV004824988.1).